The following is an entry in ClinVar:

ClinVar aggregate classification (germline): Uncertain significance (1 of 4 stars; one submission).

Allele frequency attached by ClinVar (database versions not stated): gnomAD exomes below 0.00001; gnomAD 0.00001; TOPMed 0.00001.
gnomAD v4.1: 6 of 1,568,034 alleles (0.00038%); highest among the groups gnomAD compares: Non-Finnish European, 0.00052%; no homozygotes.

Submission:

Labcorp Genetics (formerly Invitae), Labcorp
Classification: Uncertain significance. Last evaluated: 2021-08-24. Review status: criteria provided, single submitter. Criteria: Invitae Variant Classification Sherloc (09022015). Collection method: clinical testing. Allele origin: germline.
Comment: This sequence change replaces asparagine with isoleucine at codon 980 of the SLC12A1 protein (p.Asn980Ile). The asparagine residue is moderately conserved and there is a large physicochemical difference between asparagine and isoleucine. This variant is not present in population databases (ExAC no frequency). This variant has not been reported in the literature in individuals affected with SLC12A1-related conditions. Algorithms developed to predict the effect of missense changes on protein structure and function are either unavailable or do not agree on the potential impact of this missense change (SIFT: "Deleterious"; PolyPhen-2: "Benign"; Align-GVGD: "Class C0"). In summary, the available evidence is currently insufficient to determine the role of this variant in disease. Therefore, it has been classified as a Variant of Uncertain Significance.

NM_000338.3(SLC12A1):c.2939A>T (p.Asn980Ile)

Gene: SLC12A1 (solute carrier family 12 member 1; plus strand). Cytogenetic location: 15q21.1.
Variant type: single nucleotide variant.
Coding change: c.2939A>T on transcript NM_000338.3 (MANE Select); coding-DNA position 2939, A replaced by T.
Protein change: p.Asn980Ile; replaces asparagine 980 with isoleucine.
Molecular consequence: missense variant.
Genome position (GRCh38, 1-based): chr15:48,291,843, A>T. VCF-style: chr15-48291843-A-T. GRCh37 (hg19) VCF-style: chr15-48584040-A-T.
Other names: c.2939A>T, p.Asn980Ile (NM_001184832.2, NM_001384136.1); short protein forms N980I.
Identifiers: ClinVar variation 1041488 (VCV001041488.6), dbSNP rs1489050788, ClinGen allele CA392319751.
Genomic context (GRCh38, chr15:48,291,843, plus strand): 5'-CTTCCCTTCTGAGCAAATTTAGGATAAAATTTGCAGACATCCATATCATCGGTGACATCA[A>T]CATTAGGCCAAACAAAGAGAGGTATGAAATATTTAACAAGAGACATTGATTACCCATGGT-3'
Protein context (NP_000329.2, residues 970-990): FADIHIIGDI[Asn980Ile]IRPNKESWKV